The following is an entry in ClinVar:

ClinVar aggregate classification (germline): Uncertain significance (1 of 4 stars; one submission).

Submission:

ARUP Laboratories, Molecular Genetics and Genomics, ARUP Laboratories
Classification: Uncertain significance. Last evaluated: 2017-08-16. Review status: criteria provided, single submitter. Criteria: ARUP Molecular Germline Variant Investigation Process. Collection method: clinical testing. Allele origin: germline.
Comment: The FBN1 c.8120A>G; p.Asp2707Gly variant has not been previously reported in the literature, gene-specific variant databases, or general population databases (Exome Variant Server, Genome Aggregation Database). The asparate at codon 2707 is well conserved, but computational algorithms (SIFT, PolyPhen2, Align GVGD) predict this variant to be tolerated. Due to the lack of information regarding p.Asp2707Gly, its clinical significance is uncertain at this time.

NM_000138.5(FBN1):c.8120A>G (p.Asp2707Gly)

Gene: FBN1 (fibrillin 1; minus strand). Cytogenetic location: 15q21.1.
Variant type: single nucleotide variant.
Coding change: c.8120A>G on transcript NM_000138.5 (MANE Select); coding-DNA position 8120, A replaced by G.
Protein change: p.Asp2707Gly; replaces aspartic acid 2707 with glycine.
Molecular consequence: missense variant.
Genome position (GRCh38, 1-based): chr15:48,412,675, T>C on the plus strand (A>G on the coding strand, the complement: FBN1 is on the minus strand). VCF-style: chr15-48412675-T-C. GRCh37 (hg19) VCF-style: chr15-48704872-T-C.
Other names: short protein forms D2707G.
Identifiers: ClinVar variation 618648 (VCV000618648.8), dbSNP rs1566889150, ClinGen allele CA392321350.